The following is an entry in ClinVar:

NM_004958.4(MTOR):c.128A>G (p.Glu43Gly)

Gene: MTOR (mechanistic target of rapamycin kinase; minus strand). Cytogenetic location: 1p36.22.
Variant type: single nucleotide variant.
Coding change: c.128A>G on transcript NM_004958.4 (MANE Select); coding-DNA position 128, A replaced by G.
Protein change: p.Glu43Gly; replaces glutamic acid 43 with glycine.
Molecular consequence: missense variant.
Genome position (GRCh38, 1-based): chr1:11,259,282, T>C on the plus strand (A>G on the coding strand, the complement: MTOR is on the minus strand). VCF-style: chr1-11259282-T-C. GRCh37 (hg19) VCF-style: chr1-11319339-T-C.
Other names: short protein forms E43G.
Identifiers: ClinVar variation 957824 (VCV000957824.9), dbSNP rs939741247, ClinGen allele CA17960660.

ClinVar aggregate classification (germline): Uncertain significance (1 of 4 stars; one submission).

Allele frequency attached by ClinVar (database versions not stated): gnomAD 0.00001; gnomAD exomes 0.00001 and 0.00003; TOPMed 0.00002.
gnomAD v4.1: 38 of 1,613,876 alleles (0.0024%); highest among the groups gnomAD compares: Admixed American, 0.0033%; no homozygotes.

Submission:

Labcorp Genetics (formerly Invitae), Labcorp
Classification: Uncertain significance. Last evaluated: 2025-12-30. Review status: criteria provided, single submitter. Criteria: Invitae Variant Classification Sherloc (09022015). Collection method: clinical testing. Allele origin: germline.
Comment: This sequence change replaces glutamic acid, which is acidic and polar, with glycine, which is neutral and non-polar, at codon 43 of the MTOR protein (p.Glu43Gly). This variant is present in population databases (no rsID available, gnomAD 0.003%). This variant has not been reported in the literature in individuals affected with MTOR-related conditions. ClinVar contains an entry for this variant (Variation ID: 957824). Invitae Evidence Modeling of protein sequence and biophysical properties (such as structural, functional, and spatial information, amino acid conservation, physicochemical variation, residue mobility, and thermodynamic stability) indicates that this missense variant is not expected to disrupt MTOR protein function with a negative predictive value of 95%. In summary, the available evidence is currently insufficient to determine the role of this variant in disease. Therefore, it has been classified as a Variant of Uncertain Significance.